The following is an entry in ClinVar:

ClinVar aggregate classification (germline): Pathogenic (1 of 4 stars; one submission).

Conditions:
Chuvash polycythemia. Also called: POLYCYTHEMIA, VHL-DEPENDENT. Identifiers: Orphanet 238557, MedGen C1837915, MONDO:0009892, OMIM 263400.
Von Hippel-Lindau syndrome (VHLS). Also called: von Hippel–Lindau syndrome; VHL syndrome; Von Hippel-Lindau. Identifiers: Orphanet 892, MedGen C0019562, MONDO:0008667, OMIM 193300. Disease mechanism: loss of function.

Submission:

Labcorp Genetics (formerly Invitae), Labcorp
Classification: Pathogenic for Von Hippel-Lindau syndrome; Chuvash polycythemia. Last evaluated: 2023-01-19. Review status: criteria provided, single submitter. Criteria: Invitae Variant Classification Sherloc (09022015). Collection method: clinical testing. Allele origin: germline.
Comment: For these reasons, this variant has been classified as Pathogenic. This variant has not been reported in the literature in individuals affected with VHL-related conditions. This variant is not present in population databases (gnomAD no frequency). This sequence change creates a premature translational stop signal (p.Pro103Alafs*29) in the VHL gene. It is expected to result in an absent or disrupted protein product. Loss-of-function variants in VHL are known to be pathogenic (PMID: 8956040, 12202531).

Literature cited by the submitters: PubMed 8956040; PubMed 12202531.

NM_000551.4(VHL):c.305dup (p.Pro103fs)

Gene: VHL (von Hippel-Lindau tumor suppressor; plus strand). Cytogenetic location: 3p25.3.
Variant type: Duplication.
Coding change: c.305dup on transcript NM_000551.4 (MANE Select); coding-DNA position 305, one base duplicated (C; older notation c.305dupC).
Protein change: p.Pro103fs; shifts the reading frame from proline 103.
Molecular consequence: frameshift variant. On other transcripts: non-coding transcript variant (1).
Genome position (GRCh38, 1-based): chr3:10,142,152, C duplicated; the last of 2 consecutive C bases (chr3:10,142,151-10,142,152); duplicating either gives the same sequence. VCF-style (leftmost placement, unchanged base first): chr3-10142150-G-GC. GRCh37 (hg19) VCF-style: chr3-10183834-G-GC.
Other names: c.305dup, p.Pro103fs (NM_001354723.2, NM_198156.3); short protein forms P103fs.
Identifiers: ClinVar variation 2943402 (VCV002943402.3), dbSNP rs1559426145, ClinGen allele CA2740090908.
Genomic context (GRCh38, chr3:10,142,150, plus strand): 5'-GCGCGTCGTGCTGCCCGTATGGCTCAACTTCGACGGCGAGCCGCAGCCCTACCCAACGCT[G>GC]CCGCCTGGCACGGGCCGCCGCATCCACAGCTACCGAGGTACGGGCCCGGCGCTTAGGCCC-3'